The following is an entry in ClinVar:

NM_001267550.2(TTN):c.22155G>A (p.Val7385=)

Gene: TTN (titin; minus strand). Cytogenetic location: 2q31.2.
Variant type: single nucleotide variant.
Coding change: c.22155G>A on transcript NM_001267550.2 (MANE Select); coding-DNA position 22155, G replaced by A.
Protein change: p.Val7385=; no amino-acid change (valine 7385 retained).
Molecular consequence: synonymous variant. On other transcripts: intron variant (3).
Genome position (GRCh38, 1-based): chr2:178,722,744, C>T on the plus strand (G>A on the coding strand, the complement: TTN is on the minus strand). VCF-style: chr2-178722744-C-T. GRCh37 (hg19) VCF-style: chr2-179587471-C-T.
Other names: c.21204G>A, p.Val7068= (NM_001256850.1); c.18423G>A, p.Val6141= (NM_133378.4); c.13282+15338G>A (NM_003319.4); c.13858+15338G>A (NM_133437.4); c.13657+15338G>A (NM_133432.3).
Identifiers: ClinVar variation 511542 (VCV000511542.17), dbSNP rs767194863, ClinGen allele CA2000897.

ClinVar aggregate classification (germline): Likely benign. Review status: criteria provided, multiple submitters, no conflicts (2 of 4 stars). 3 submissions from 3 submitters: Likely benign (3). Last evaluated 2026-01-01.

Conditions:
Dilated cardiomyopathy 1G (CMD1G). Identifiers: Orphanet 154, MedGen C1858763, MONDO:0011400, OMIM 604145.
Autosomal recessive limb-girdle muscular dystrophy type 2J (LGMDR10). Also called: MUSCULAR DYSTROPHY, LIMB-GIRDLE, AUTOSOMAL RECESSIVE 10; Limb-girdle muscular dystrophy, type 2J. Identifiers: Orphanet 140922, MedGen C1837342, MONDO:0012127, OMIM 608807.

Allele frequency attached by ClinVar (database versions not stated): gnomAD exomes 0.00001; ExAC 0.00002; TOPMed 0.00002.
gnomAD v4.1: 14 of 1,613,172 alleles (0.00087%); highest among the groups gnomAD compares: Admixed American, 0.0017%; no homozygotes.

Submissions (3):

CeGaT Center for Human Genetics Tuebingen
Classification: Likely benign. Last evaluated: 2026-01-01. Review status: criteria provided, single submitter. Criteria: CeGaT Center For Human Genetics Tuebingen Variant Classification Criteria Version 2. Collection method: clinical testing. Allele origin: germline. Affected: yes. Observed: 1 variant allele.
Comment: TTN: BP4, BP7

Labcorp Genetics (formerly Invitae), Labcorp
Classification: Likely benign for Dilated cardiomyopathy 1G; Autosomal recessive limb-girdle muscular dystrophy type 2J. Last evaluated: 2025-07-02. Review status: criteria provided, single submitter. Criteria: Invitae Variant Classification Sherloc (09022015). Collection method: clinical testing. Allele origin: germline.

GeneDx
Classification: Likely benign. Last evaluated: 2020-11-19. Review status: criteria provided, single submitter. Criteria: GeneDx Variant Classification Process June 2021. Collection method: clinical testing. Allele origin: germline. Affected: yes.